The following is an entry in ClinVar:

NM_018975.4(TERF2IP):c.949A>G (p.Ile317Val)

Gene: TERF2IP (TERF2 interacting protein; plus strand). Cytogenetic location: 16q23.1.
Variant type: single nucleotide variant.
Coding change: c.949A>G on transcript NM_018975.4 (MANE Select); coding-DNA position 949, A replaced by G.
Protein change: p.Ile317Val; replaces isoleucine 317 with valine.
Molecular consequence: missense variant. On other transcripts: non-coding transcript variant (1).
Genome position (GRCh38, 1-based): chr16:75,656,360, A>G. VCF-style: chr16-75656360-A-G. GRCh37 (hg19) VCF-style: chr16-75690258-A-G.
Other names: short protein forms I317V.
Identifiers: ClinVar variation 2497028 (VCV002497028.2), dbSNP rs751263761, ClinGen allele CA8178136.

ClinVar aggregate classification (germline): Uncertain significance (1 of 4 stars; one submission).

Allele frequency attached by ClinVar (database versions not stated): gnomAD exomes below 0.00001; ExAC 0.00002.
gnomAD v4.1: 3 of 1,614,204 alleles (0.00019%); highest among the groups gnomAD compares: East Asian, 0.0022%; no homozygotes.

Submission:

Ambry Genetics
Classification: Uncertain significance. Last evaluated: 2022-11-23. Review status: criteria provided, single submitter. Criteria: Ambry Variant Classification Scheme 2023. Collection method: clinical testing. Allele origin: germline.
Comment: The p.I317V variant (also known as c.949A>G), located in coding exon 3 of the TERF2IP gene, results from an A to G substitution at nucleotide position 949. The isoleucine at codon 317 is replaced by valine, an amino acid with highly similar properties. This amino acid position is conserved. In addition, this alteration is predicted to be tolerated by in silico analysis. Since supporting evidence is limited at this time, the clinical significance of this alteration remains unclear.